The following is an entry in ClinVar:

ClinVar aggregate classification (germline): Uncertain significance (1 of 4 stars; one submission).

gnomAD v4.1: 1 of 1,583,326 alleles (0.000063%); highest among the groups gnomAD compares: African/African-American, 0.0013%; no homozygotes.

Submission:

GeneDx
Classification: Uncertain significance. Last evaluated: 2025-07-12. Review status: criteria provided, single submitter. Criteria: GeneDx Variant Classification Process June 2021. Collection method: clinical testing. Allele origin: germline. Affected: yes.
Comment: Not observed at significant frequency in large population cohorts (gnomAD); In silico analysis suggests that this missense variant does not alter protein structure/function; Has not been previously published as pathogenic or benign to our knowledge

NM_018896.5(CACNA1G):c.786G>C (p.Glu262Asp)

Gene: CACNA1G (calcium voltage-gated channel subunit alpha1 G; plus strand). Cytogenetic location: 17q21.33.
Variant type: single nucleotide variant.
Coding change: c.786G>C on transcript NM_018896.5 (MANE Select); coding-DNA position 786, G replaced by C.
Protein change: p.Glu262Asp; replaces glutamic acid 262 with aspartic acid.
Molecular consequence: missense variant. On other transcripts: non-coding transcript variant (5).
Genome position (GRCh38, 1-based): chr17:50,572,593, G>C. VCF-style: chr17-50572593-G-C. GRCh37 (hg19) VCF-style: chr17-48649954-G-C.
Other names: c.786G>C, p.Glu262Asp (NM_001256324.2, NM_001256325.2, NM_001256326.2 and 24 more transcripts); short protein forms E262D.
Identifiers: ClinVar variation 4686833 (VCV004686833.1).